The following is an entry in ClinVar:

NM_001510.4(GRID2):c.1468G>C (p.Val490Leu)

Gene: GRID2 (glutamate ionotropic receptor delta type subunit 2; plus strand). Cytogenetic location: 4q22.2.
Variant type: single nucleotide variant.
Coding change: c.1468G>C on transcript NM_001510.4 (MANE Select); coding-DNA position 1468, G replaced by C.
Protein change: p.Val490Leu; replaces valine 490 with leucine.
Molecular consequence: missense variant.
Genome position (GRCh38, 1-based): chr4:93,422,891, G>C. VCF-style: chr4-93422891-G-C. GRCh37 (hg19) VCF-style: chr4-94344042-G-C.
Other names: c.1183G>C, p.Val395Leu (NM_001286838.1); c.1468G>C, p.Val490Leu (NM_001440459.1); short protein forms V395L, V490L.
Identifiers: ClinVar variation 4781669 (VCV004781669.1).

ClinVar aggregate classification (germline): Uncertain significance (1 of 4 stars; one submission).

gnomAD v4.1: 13 of 1,613,372 alleles (0.00081%); highest among the groups gnomAD compares: East Asian, 0.027%; no homozygotes.

Submission:

Labcorp Genetics (formerly Invitae), Labcorp
Classification: Uncertain significance. Last evaluated: 2025-07-14. Review status: criteria provided, single submitter. Criteria: Invitae Variant Classification Sherloc (09022015). Collection method: clinical testing. Allele origin: germline.
Comment: This sequence change replaces valine, which is neutral and non-polar, with leucine, which is neutral and non-polar, at codon 490 of the GRID2 protein (p.Val490Leu). This variant is present in population databases (rs10034345, gnomAD 0.05%). This variant has not been reported in the literature in individuals affected with GRID2-related conditions. Invitae Evidence Modeling of protein sequence and biophysical properties (such as structural, functional, and spatial information, amino acid conservation, physicochemical variation, residue mobility, and thermodynamic stability) indicates that this missense variant is not expected to disrupt GRID2 protein function with a negative predictive value of 80%. In summary, the available evidence is currently insufficient to determine the role of this variant in disease. Therefore, it has been classified as a Variant of Uncertain Significance.